The following is an entry in ClinVar:

ClinVar aggregate classification (germline): Likely benign. Review status: criteria provided, single submitter (1 of 4 stars). 2 submissions from 2 submitters: Likely benign (1). 1 of the submissions does not count toward it. Last evaluated 2025-08-22.

Conditions:
NPHS1-related disorder. Also called: NPHS1-related condition.

Allele frequency attached by ClinVar (database versions not stated): ExAC 0.00002; gnomAD exomes 0.00002 and 0.00003; TOPMed 0.00002; gnomAD 0.00003.
gnomAD v4.1: 32 of 1,614,066 alleles (0.002%); highest among the groups gnomAD compares: Admixed American, 0.0033%; no homozygotes.

Submissions (2):

Labcorp Genetics (formerly Invitae), Labcorp
Classification: Likely benign. Last evaluated: 2025-08-22. Review status: criteria provided, single submitter. Criteria: Invitae Variant Classification Sherloc (09022015). Collection method: clinical testing. Allele origin: germline.

PreventionGenetics, part of Exact Sciences
Classification: Likely benign for NPHS1-related condition. Last evaluated: 2022-12-20. Review status: no assertion criteria provided. Collection method: clinical testing. Allele origin: germline. Not counted in ClinVar's aggregate classification.
Comment: This variant is classified as likely benign based on ACMG/AMP sequence variant interpretation guidelines (Richards et al. 2015 PMID: 25741868, with internal and published modifications).

NM_004646.4(NPHS1):c.398-6C>T

Gene: NPHS1 (NPHS1 adhesion molecule, nephrin; minus strand). Cytogenetic location: 19q13.12.
Variant type: single nucleotide variant.
Coding change: c.398-6C>T on transcript NM_004646.4 (MANE Select); 6 bases into the intron before coding-DNA position 398, C replaced by T.
Molecular consequence: intron variant.
Genome position (GRCh38, 1-based): chr19:35,851,095, G>A on the plus strand (C>T on the coding strand, the complement: NPHS1 is on the minus strand). VCF-style: chr19-35851095-G-A. GRCh37 (hg19) VCF-style: chr19-36341997-G-A.
Other names: c.398-6C>T (NM_004646.3).
Identifiers: ClinVar variation 1084534 (VCV001084534.11), dbSNP rs774272363, ClinGen allele CA9390809.